The following is an entry in ClinVar:

ClinVar aggregate classification (germline): Likely benign (1 of 4 stars; one submission).

gnomAD v4.1: 15 of 1,592,506 alleles (0.00094%); highest among the groups gnomAD compares: Admixed American, 0.027%; no homozygotes.

Submission:

CeGaT Center for Human Genetics Tuebingen
Classification: Likely benign. Last evaluated: 2025-06-01. Review status: criteria provided, single submitter. Criteria: CeGaT Center For Human Genetics Tuebingen Variant Classification Criteria Version 2. Collection method: clinical testing. Allele origin: germline. Affected: yes. Observed: 1 variant allele.
Comment: IFT70B: BP4, BP7

NM_152517.3(IFT70B):c.148C>T (p.Leu50=)

Gene: IFT70B (intraflagellar transport 70B; minus strand). Cytogenetic location: 2q31.2.
Variant type: single nucleotide variant.
Coding change: c.148C>T on transcript NM_152517.3 (MANE Select); coding-DNA position 148, C replaced by T.
Protein change: p.Leu50=; no amino-acid change (leucine 50 retained).
Molecular consequence: synonymous variant.
Genome position (GRCh38, 1-based): chr2:177,552,616, G>A on the plus strand (C>T on the coding strand, the complement: IFT70B is on the minus strand). VCF-style: chr2-177552616-G-A. GRCh37 (hg19) VCF-style: chr2-178417344-G-A.
Identifiers: ClinVar variation 3905892 (VCV003905892.10).